The following is an entry in ClinVar:

ClinVar aggregate classification (germline): Benign. Review status: criteria provided, multiple submitters, no conflicts (2 of 4 stars). 10 submissions from 10 submitters: Benign (7). 3 of the submissions do not count toward it. Last evaluated 2026-02-04.

Conditions:
Epilepsy, progressive myoclonic, 1B. Also called: PME. Identifiers: Orphanet 308, MedGen C2676254, MONDO:0012904, OMIM 612437.

Allele frequency attached by ClinVar (database versions not stated): 1000 Genomes Project 30x 0.43457; ESP Exome Variant Server 0.43526; ExAC 0.43846; gnomAD exomes 0.43880 and 0.43928; gnomAD 0.45034 and 0.45408; 1000 Genomes Project 0.42931; TOPMed 0.45828.
gnomAD v4.1: 710,330 of 1,613,330 alleles (44%); highest among the groups gnomAD compares: Admixed American, 48%; 157,580 homozygotes.

Submissions (10):

Labcorp Genetics (formerly Invitae), Labcorp
Classification: Benign for Epilepsy, progressive myoclonic, 1B. Last evaluated: 2026-02-04. Review status: criteria provided, single submitter. Criteria: Invitae Variant Classification Sherloc (09022015). Collection method: clinical testing. Allele origin: germline.

Genome-Nilou Lab
Classification: Benign for Epilepsy, progressive myoclonic, 1B. Last evaluated: 2021-10-25. Review status: criteria provided, single submitter. Criteria: ACMG Guidelines, 2015. Collection method: clinical testing. Allele origin: germline. Affected: no.

Athena Diagnostics
Classification: Benign. Last evaluated: 2018-05-07. Review status: criteria provided, single submitter. Criteria: Athena Diagnostics Criteria. Collection method: clinical testing. Allele origin: germline.

Ambry Genetics
Classification: Benign. Last evaluated: 2016-01-08. Review status: criteria provided, single submitter. Criteria: Ambry Variant Classification Scheme 2023. Collection method: clinical testing. Allele origin: germline.

GeneDx
Classification: Benign. Last evaluated: 2015-03-03. Review status: criteria provided, single submitter. Criteria: GeneDx Variant Classification Process June 2021. Collection method: clinical testing. Allele origin: germline. Affected: yes.

Eurofins Ntd Llc (ga)
Classification: Benign. Last evaluated: 2014-07-02. Review status: criteria provided, single submitter. Criteria: EGL Classification Definitions 2015. Collection method: clinical testing. Allele origin: germline. Observed: 11 variant alleles, 7 heterozygotes, 4 homozygotes.

Breakthrough Genomics
Classification: Benign. Review status: criteria provided, single submitter. Criteria: ACMG Guidelines, 2015. Collection method: not provided. Allele origin: germline. Inheritance: Autosomal recessive inheritance. Affected: yes.

Diagnostic Laboratory, Department of Genetics, University Medical Center Groningen
Classification: Benign. Review status: no assertion criteria provided. Collection method: clinical testing. Allele origin: germline. Affected: yes. Study: VKGL Data-share Consensus. Not counted in ClinVar's aggregate classification.

Genetic Services Laboratory, University of Chicago
Classification: Likely benign for AllHighlyPenetrant. Review status: no assertion criteria provided. Collection method: clinical testing. Allele origin: germline. Inheritance: Autosomal recessive inheritance. Not counted in ClinVar's aggregate classification.
Comment: Likely benign based on allele frequency in 1000 Genomes Project or ESP global frequency and its presence in a patient with a rare or unrelated disease phenotype. NOT Sanger confirmed.

Genome Diagnostics Laboratory, University Medical Center Utrecht
Classification: Benign. Review status: no assertion criteria provided. Collection method: clinical testing. Allele origin: germline. Affected: yes. Study: VKGL Data-share Consensus. Not counted in ClinVar's aggregate classification.

NM_153026.3(PRICKLE1):c.1902T>C (p.Ser634=)

Gene: PRICKLE1 (prickle planar cell polarity protein 1; minus strand). Cytogenetic location: 12q12.
Variant type: single nucleotide variant.
Coding change: c.1902T>C on transcript NM_153026.3 (MANE Select); coding-DNA position 1902, T replaced by C.
Protein change: p.Ser634=; no amino-acid change (serine 634 retained).
Molecular consequence: synonymous variant.
Genome position (GRCh38, 1-based): chr12:42,460,403, A>G on the plus strand (T>C on the coding strand, the complement: PRICKLE1 is on the minus strand). VCF-style: chr12-42460403-A-G. GRCh37 (hg19) VCF-style: chr12-42854205-A-G.
Other names: c.1902T>C, p.Ser634= (NM_001144881.2, NM_001144882.2, NM_001144883.2).
Identifiers: ClinVar variation 96506 (VCV000096506.30), dbSNP rs3747562, ClinGen allele CA149565.
Genomic context (GRCh38, chr12:42,460,403, plus strand): 5'-TTCACTCATCGGAGGCTGCCGGATTTCAATGTCATAGTTCCCATTGTCAATGACATCATC[A>G]GAAAACTTGACCTGCTGGGGTCTGGATTGAGACTTGGACCTTCTGAGCACTGGCAGATGT-3'
Protein context (NP_694571.2, residues 624-644): SQSRPQQVKF[Ser634=]DDVIDNGNYD